The following is an entry in ClinVar:

ClinVar aggregate classification (germline): Uncertain significance. Review status: criteria provided, multiple submitters, no conflicts (2 of 4 stars). 3 submissions from 3 submitters: Uncertain significance (3). Last evaluated 2025-02-26.

Conditions:
Inborn genetic diseases. Identifiers: MedGen C0950123, MeSH D030342.

Allele frequency attached by ClinVar (database versions not stated): gnomAD exomes 0.00001; TOPMed 0.00001.
gnomAD v4.1: 4 of 1,614,132 alleles (0.00025%); highest among the groups gnomAD compares: African/African-American, 0.0013%; no homozygotes.

Submissions (3):

Ambry Genetics
Classification: Uncertain significance for Inborn genetic diseases. Last evaluated: 2025-02-26. Review status: criteria provided, single submitter. Criteria: Ambry Variant Classification Scheme 2023. Collection method: clinical testing. Allele origin: germline.

Labcorp Genetics (formerly Invitae), Labcorp
Classification: Uncertain significance. Last evaluated: 2025-01-07. Review status: criteria provided, single submitter. Criteria: Invitae Variant Classification Sherloc (09022015). Collection method: clinical testing. Allele origin: germline.
Comment: This sequence change replaces lysine, which is basic and polar, with arginine, which is basic and polar, at codon 797 of the TOPORS protein (p.Lys797Arg). This variant is present in population databases (no rsID available, gnomAD 0.007%). This variant has not been reported in the literature in individuals affected with TOPORS-related conditions. ClinVar contains an entry for this variant (Variation ID: 1038142). Experimental studies and prediction algorithms are not available or were not evaluated, and the functional significance of this variant is currently unknown. In summary, the available evidence is currently insufficient to determine the role of this variant in disease. Therefore, it has been classified as a Variant of Uncertain Significance.

Blueprint Genetics
Classification: Uncertain significance. Last evaluated: 2019-11-26. Review status: criteria provided, single submitter. Criteria: ACMG Guidelines, 2015. Collection method: clinical testing. Allele origin: germline.

NM_005802.5(TOPORS):c.2390A>G (p.Lys797Arg)

Gene: TOPORS (TOP1 binding arginine/serine rich protein, E3 ubiquitin ligase; minus strand). Cytogenetic location: 9p21.1.
Variant type: single nucleotide variant.
Coding change: c.2390A>G on transcript NM_005802.5 (MANE Select); coding-DNA position 2390, A replaced by G.
Protein change: p.Lys797Arg; replaces lysine 797 with arginine.
Molecular consequence: missense variant.
Genome position (GRCh38, 1-based): chr9:32,542,135, T>C on the plus strand (A>G on the coding strand, the complement: TOPORS is on the minus strand). VCF-style: chr9-32542135-T-C. GRCh37 (hg19) VCF-style: chr9-32542133-T-C.
Other names: c.2390A>G (NM_005802.4); c.2195A>G, p.Lys732Arg (NM_001195622.2); short protein forms K732R, K797R.
Identifiers: ClinVar variation 1038142 (VCV001038142.10), dbSNP rs1304060234, ClinGen allele CA373163929.